The following is an entry in ClinVar:

ClinVar aggregate classification (germline): Uncertain significance (1 of 4 stars; one submission).

Conditions:
Peroxisome biogenesis disorder 3A (Zellweger). Also called: Peroxisome biogenesis disorder 3A; PEROXISOMAL BIOGENESIS DISORDER 3A (ZELLWEGER). Identifiers: Orphanet 912, MedGen C3553929, MONDO:0013927, OMIM 614859.

Submission:

Labcorp Genetics (formerly Invitae), Labcorp
Classification: Uncertain significance for Peroxisome biogenesis disorder 3A (Zellweger). Last evaluated: 2022-06-27. Review status: criteria provided, single submitter. Criteria: Invitae Variant Classification Sherloc (09022015). Collection method: clinical testing. Allele origin: germline.
Comment: This variant is not present in population databases (gnomAD no frequency). This variant has not been reported in the literature in individuals affected with PEX12-related conditions. Algorithms developed to predict the effect of missense changes on protein structure and function are either unavailable or do not agree on the potential impact of this missense change (SIFT: "Deleterious"; PolyPhen-2: "Possibly Damaging"; Align-GVGD: "Class C0"). In summary, the available evidence is currently insufficient to determine the role of this variant in disease. Therefore, it has been classified as a Variant of Uncertain Significance. This sequence change replaces threonine, which is neutral and polar, with alanine, which is neutral and non-polar, at codon 342 of the PEX12 protein (p.Thr342Ala).

NM_000286.3(PEX12):c.1024A>G (p.Thr342Ala)

Gene: PEX12 (peroxisomal biogenesis factor 12; minus strand). Cytogenetic location: 17q12.
Variant type: single nucleotide variant.
Coding change: c.1024A>G on transcript NM_000286.3 (MANE Select); coding-DNA position 1024, A replaced by G.
Protein change: p.Thr342Ala; replaces threonine 342 with alanine.
Molecular consequence: missense variant.
Genome position (GRCh38, 1-based): chr17:35,575,838, T>C on the plus strand (A>G on the coding strand, the complement: PEX12 is on the minus strand). VCF-style: chr17-35575838-T-C. GRCh37 (hg19) VCF-style: chr17-33902857-T-C.
Other names: short protein forms T342A.
Identifiers: ClinVar variation 2020152 (VCV002020152.4), dbSNP rs2509167643, ClinGen allele CA399136873.
Genomic context (GRCh38, chr17:35,575,838, plus strand): 5'-CCTTTCAGTTCTCAGGGGAGTAGAGTTTAATCAGATGTTGTACTTCTGTTGGATAACCTG[T>C]GATGGGACAAGCTTGGTGACTCCTCACATAATGAAACACACAGCGGTAACAAAACACATA-3'
Protein context (NP_000277.1, residues 332-352): YVRSHQACPI[Thr342Ala]GYPTEVQHLI